The following is an entry in ClinVar:

ClinVar aggregate classification (germline): Conflicting classifications of pathogenicity. Review status: criteria provided, conflicting classifications (1 of 4 stars). 4 submissions from 4 submitters: Uncertain significance (3); Likely benign (1). Last evaluated 2024-04-29.

Conditions:
Intellectual disability, autosomal dominant 16 (CSS4). Also called: COFFIN-SIRIS SYNDROME 4. Identifiers: Orphanet 1465, MedGen C3553249, MONDO:0013821, OMIM 614609.
Hereditary cancer-predisposing syndrome. Also called: Hereditary neoplastic syndrome; Neoplastic Syndromes, Hereditary; Tumor predisposition; Hereditary Cancer Syndrome. Identifiers: Orphanet 140162, MedGen C0027672, MeSH D009386, MONDO:0015356.
Rhabdoid tumor predisposition syndrome 2 (RTPS2). Identifiers: Orphanet 231108, Orphanet 69077, MedGen C2750074, MONDO:0013224, OMIM 613325.

Submissions (4):

Labcorp Genetics (formerly Invitae), Labcorp
Classification: Uncertain significance for Rhabdoid tumor predisposition syndrome 2. Last evaluated: 2024-04-29. Review status: criteria provided, single submitter. Criteria: Invitae Variant Classification Sherloc (09022015). Collection method: clinical testing. Allele origin: germline.
Comment: This sequence change replaces glycine, which is neutral and non-polar, with alanine, which is neutral and non-polar, at codon 1452 of the SMARCA4 protein (p.Gly1452Ala). This variant is not present in population databases (gnomAD no frequency). This variant has not been reported in the literature in individuals affected with SMARCA4-related conditions. ClinVar contains an entry for this variant (Variation ID: 470397). Advanced modeling of protein sequence and biophysical properties (such as structural, functional, and spatial information, amino acid conservation, physicochemical variation, residue mobility, and thermodynamic stability) has been performed at Invitae for this missense variant, however the output from this modeling did not meet the statistical confidence thresholds required to predict the impact of this variant on SMARCA4 protein function. In summary, the available evidence is currently insufficient to determine the role of this variant in disease. Therefore, it has been classified as a Variant of Uncertain Significance.

Genome-Nilou Lab
Classification: Uncertain significance for Intellectual disability, autosomal dominant 16. Last evaluated: 2021-07-15. Review status: criteria provided, single submitter. Criteria: ACMG Guidelines, 2015. Collection method: clinical testing. Allele origin: germline. Affected: no.

Ambry Genetics
Classification: Likely benign for Hereditary cancer-predisposing syndrome. Last evaluated: 2021-05-05. Review status: criteria provided, single submitter. Criteria: Ambry Variant Classification Scheme 2023. Collection method: clinical testing. Allele origin: germline.

Neuberg Centre For Genomic Medicine, NCGM
Classification: Uncertain significance for Intellectual disability, autosomal dominant 16. Review status: criteria provided, single submitter. Criteria: ACMG Guidelines, 2015. Collection method: clinical testing. Allele origin: germline. Inheritance: Autosomal dominant inheritance. Affected: yes.
Comment: The missense c.4259G>C (p.Gly1420Ala) variant in SMARCA4 gene has not been reported previously as a pathogenic variant nor as a benign variant, to our knowledge. The p.Gly1420Ala variant is novel (not in any individuals) in both gnomAD Exomes and 1000 Genomes databases. This variant has been reported to the ClinVar database as Likely Benign / Uncertain Significance. The amino acid change p.Gly1420Ala in SMARCA4 is predicted as conserved by GERP++ and PhyloP across 100 vertebrates. The amino acid Gly at position 1420 is changed to a Ala changing protein sequence and it might alter its composition and physico-chemical properties. For these reasons, this variant has been classified as a Variant Uncertain Significance (VUS).

NM_003072.5(SMARCA4):c.4259G>C (p.Gly1420Ala)

Gene: SMARCA4 (SWI/SNF related BAF chromatin remodeling complex subunit ATPase 4; plus strand). Cytogenetic location: 19p13.2.
Variant type: single nucleotide variant.
Coding change: c.4259G>C on transcript NM_003072.5 (MANE Select); coding-DNA position 4259, G replaced by C.
Protein change: p.Gly1420Ala; replaces glycine 1420 with alanine.
Molecular consequence: missense variant. On other transcripts: non-coding transcript variant (1).
Genome position (GRCh38, 1-based): chr19:11,041,395, G>C. VCF-style: chr19-11041395-G-C. GRCh37 (hg19) VCF-style: chr19-11152071-G-C.
Other names: c.4259G>C, p.Gly1420Ala (NM_001128844.3); c.4169G>C, p.Gly1390Ala (NM_001128845.2, NM_001128846.2); c.4160G>C, p.Gly1387Ala (NM_001128847.4, NM_001128848.2, NM_001374457.1); c.4355G>C, p.Gly1452Ala (NM_001128849.3, NM_001387283.1); short protein forms G1452A, G1387A, G1390A, G1420A.
Identifiers: ClinVar variation 470397 (VCV000470397.15), dbSNP rs1555788169, ClinGen allele CA404073316.
Genomic context (GRCh38, chr19:11,041,395, plus strand): 5'-TCGAAGAGGAGGTCCGGCAGAAGAAATCATCACGGAAGCGCAAGCGAGACAGCGACGCCG[G>C]CTCCTCCACCCCGACCACCAGCACCCGCAGCCGCGACAAGGACGACGAGAGCAAGAAGCA-3'
Protein context (NP_003063.2, residues 1410-1430): SRKRKRDSDA[Gly1420Ala]SSTPTTSTRS